The following is an entry in ClinVar:

NM_001370259.2(MEN1):c.1499T>G (p.Leu500Arg)

Gene: MEN1 (menin 1; minus strand). Cytogenetic location: 11q13.1.
Variant type: single nucleotide variant.
Coding change: c.1499T>G on transcript NM_001370259.2 (MANE Select); coding-DNA position 1499, T replaced by G.
Protein change: p.Leu500Arg; replaces leucine 500 with arginine.
Molecular consequence: missense variant.
Genome position (GRCh38, 1-based): chr11:64,804,668, A>C on the plus strand (T>G on the coding strand, the complement: MEN1 is on the minus strand). VCF-style: chr11-64804668-A-C. GRCh37 (hg19) VCF-style: chr11-64572140-A-C.
Other names: c.1514T>G, p.Leu505Arg (NM_000244.4, NM_130800.3, NM_130801.3 and 3 more transcripts); c.1625T>G, p.Leu542Arg (NM_001370251.2); c.1499T>G, p.Leu500Arg (NM_001370260.2, NM_001370261.2, NM_130799.3); c.1394T>G, p.Leu465Arg (NM_001370262.2, NM_001370263.2); short protein forms L505R, L500R, L542R, L465R.
Identifiers: ClinVar variation 1450519 (VCV001450519.7), dbSNP rs1941538934, ClinGen allele CA381178825.

ClinVar aggregate classification (germline): Uncertain significance. Review status: criteria provided, multiple submitters, no conflicts (2 of 4 stars). 2 submissions from 2 submitters: Uncertain significance (2). Last evaluated 2025-01-19.

Conditions:
Multiple endocrine neoplasia, type 1 (MEN1). Also called: Endocrine adenomatosis multiple; MEN 1; MEA I; MEN I; WERMER SYNDROME. Identifiers: Orphanet 652, MedGen C0025267, MeSH D018761, MONDO:0007540, OMIM 131100.

Allele frequency attached by ClinVar (database versions not stated): gnomAD exomes below 0.00001.

Submissions (2):

Labcorp Genetics (formerly Invitae), Labcorp
Classification: Uncertain significance for Multiple endocrine neoplasia, type 1. Last evaluated: 2025-01-19. Review status: criteria provided, single submitter. Criteria: Invitae Variant Classification Sherloc (09022015). Collection method: clinical testing. Allele origin: germline.
Comment: This sequence change replaces leucine, which is neutral and non-polar, with arginine, which is basic and polar, at codon 500 of the MEN1 protein (p.Leu500Arg). This variant is not present in population databases (gnomAD no frequency). This variant has not been reported in the literature in individuals affected with MEN1-related conditions. ClinVar contains an entry for this variant (Variation ID: 1450519). Invitae Evidence Modeling of protein sequence and biophysical properties (such as structural, functional, and spatial information, amino acid conservation, physicochemical variation, residue mobility, and thermodynamic stability) has been performed for this missense variant. However, the output from this modeling did not meet the statistical confidence thresholds required to predict the impact of this variant on MEN1 protein function. In summary, the available evidence is currently insufficient to determine the role of this variant in disease. Therefore, it has been classified as a Variant of Uncertain Significance.

All of Us Research Program, National Institutes of Health
Classification: Uncertain significance for Multiple endocrine neoplasia, type 1. Last evaluated: 2024-01-11. Review status: criteria provided, single submitter. Criteria: ACMG Guidelines, 2015. Collection method: clinical testing. Allele origin: germline. Inheritance: Autosomal dominant inheritance. Observed: 1 variant allele, 1 heterozygote.
Comment: This study involves interpretation of variants in research participants for the purpose of population health screening. Participant phenotype was not available at the time of variant classification. Additional details can be found in publication PMID: 35346344, PMCID: PMC8962531